The following is an entry in ClinVar:

ClinVar aggregate classification (germline): Benign (0 of 4 stars; one submission).

Conditions:
MED13-related disorder. Also called: MED13-related condition.

Submission:

PreventionGenetics, part of Exact Sciences
Classification: Benign for MED13-related condition. Last evaluated: 2020-01-28. Review status: no assertion criteria provided. Collection method: clinical testing. Allele origin: germline.
Comment: This variant is classified as benign based on ACMG/AMP sequence variant interpretation guidelines (Richards et al. 2015 PMID: 25741868, with internal and published modifications).

NM_005121.3(MED13):c.1968-7dup

Gene: MED13 (mediator complex subunit 13; minus strand). Cytogenetic location: 17q23.2.
Variant type: Duplication.
Coding change: c.1968-7dup on transcript NM_005121.3 (MANE Select); 7 bases into the intron before coding-DNA position 1968, one base duplicated (T; older notation c.1968-7dupT).
Molecular consequence: intron variant.
Genome position (GRCh38, 1-based): chr17:61,995,372, A duplicated on the plus strand (T on the coding strand, the reverse complement: MED13 is on the minus strand); the first of 7 consecutive A bases (chr17:61,995,372-61,995,378); duplicating any one gives the same sequence. VCF-style (leftmost placement, unchanged base first): chr17-61995371-T-TA. GRCh37 (hg19) VCF-style: chr17-60072732-T-TA.
Identifiers: ClinVar variation 3037604 (VCV003037604.2), dbSNP rs565574776, ClinGen allele CA8692932.